The following is an entry in ClinVar:

NM_001329943.3(KIAA0586):c.3003C>A (p.Asn1001Lys)

Gene: KIAA0586 (KIAA0586; plus strand). Cytogenetic location: 14q23.1.
Variant type: single nucleotide variant.
Coding change: c.3003C>A on transcript NM_001329943.3 (MANE Select); coding-DNA position 3003, C replaced by A.
Protein change: p.Asn1001Lys; replaces asparagine 1001 with lysine.
Molecular consequence: missense variant.
Genome position (GRCh38, 1-based): chr14:58,482,571, C>A. VCF-style: chr14-58482571-C-A. GRCh37 (hg19) VCF-style: chr14-58949289-C-A.
Other names: c.3162C>A, p.Asn1054Lys (NM_001244189.2); c.2958C>A, p.Asn986Lys (NM_001244190.2); c.2748C>A, p.Asn916Lys (NM_001244191.2, NM_001329945.2, NM_001364700.1 and 1 more transcripts); c.2871C>A, p.Asn957Lys (NM_001244192.2); c.2583C>A, p.Asn861Lys (NM_001244193.2); c.3003C>A, p.Asn1001Lys (NM_001329944.2, NM_001329946.2, NM_001329947.2); c.2775C>A, p.Asn925Lys (NM_014749.5); c.2775C>A (NM_014749.3); short protein forms N925K, N1054K, N916K, N957K, N1001K, N861K, N986K.
Identifiers: ClinVar variation 542185 (VCV000542185.41), dbSNP rs199537542, ClinGen allele CA7206037.

ClinVar aggregate classification (germline): Conflicting classifications of pathogenicity. Review status: criteria provided, conflicting classifications (1 of 4 stars). 7 submissions from 7 submitters: Uncertain significance (6); Likely benign (1). Last evaluated 2024-11-25.

Conditions:
Inborn genetic diseases. Identifiers: MedGen C0950123, MeSH D030342.
Short-rib thoracic dysplasia 14 with polydactyly (SRTD14). Identifiers: Orphanet 397715, MedGen C4225286, MONDO:0014688, OMIM 616546.
Joubert syndrome 23 (JBTS23). Identifiers: Orphanet 475, MedGen C4084822, MONDO:0014664, OMIM 616490.

Allele frequency attached by ClinVar (database versions not stated): ExAC 0.00012; gnomAD exomes 0.00016 and 0.00026; gnomAD 0.00018 and 0.00019; TOPMed 0.00019; ESP Exome Variant Server 0.00033.
gnomAD v4.1: 400 of 1,599,838 alleles (0.025%); highest among the groups gnomAD compares: Non-Finnish European, 0.032%; 1 homozygote.

Submissions (7):

Ambry Genetics
Classification: Uncertain significance for Inborn genetic diseases. Last evaluated: 2024-11-25. Review status: criteria provided, single submitter. Criteria: Ambry Variant Classification Scheme 2023. Collection method: clinical testing. Allele origin: germline.

Blueprint Genetics
Classification: Uncertain significance. Last evaluated: 2024-09-03. Review status: criteria provided, single submitter. Criteria: ACMG Guidelines, 2015. Collection method: clinical testing. Allele origin: germline.

Labcorp Genetics (formerly Invitae), Labcorp
Classification: Uncertain significance for Joubert syndrome 23; Short-rib thoracic dysplasia 14 with polydactyly. Last evaluated: 2024-01-19. Review status: criteria provided, single submitter. Criteria: Invitae Variant Classification Sherloc (09022015). Collection method: clinical testing. Allele origin: germline.
Comment: This sequence change replaces asparagine, which is neutral and polar, with lysine, which is basic and polar, at codon 1054 of the KIAA0586 protein (p.Asn1054Lys). This variant is present in population databases (rs199537542, gnomAD 0.03%). This variant has not been reported in the literature in individuals affected with KIAA0586-related conditions. ClinVar contains an entry for this variant (Variation ID: 542185). Advanced modeling of protein sequence and biophysical properties (such as structural, functional, and spatial information, amino acid conservation, physicochemical variation, residue mobility, and thermodynamic stability) performed at Invitae indicates that this missense variant is expected to disrupt KIAA0586 protein function with a positive predictive value of 80%. In summary, the available evidence is currently insufficient to determine the role of this variant in disease. Therefore, it has been classified as a Variant of Uncertain Significance.

CeGaT Center for Human Genetics Tuebingen
Classification: Likely benign. Last evaluated: 2023-10-01. Review status: criteria provided, single submitter. Criteria: CeGaT Center For Human Genetics Tuebingen Variant Classification Criteria Version 2. Collection method: clinical testing. Allele origin: germline. Affected: yes. Observed: 1 variant allele.
Comment: KIAA0586: BP4

Fulgent Genetics
Classification: Uncertain significance for Joubert syndrome 23; Short-rib thoracic dysplasia 14 with polydactyly. Last evaluated: 2021-09-21. Review status: criteria provided, single submitter. Criteria: ACMG Guidelines, 2015. Collection method: clinical testing. Allele origin: unknown.

GeneDx
Classification: Uncertain significance. Last evaluated: 2021-02-25. Review status: criteria provided, single submitter. Criteria: GeneDx Variant Classification Process June 2021. Collection method: clinical testing. Allele origin: germline. Affected: yes.
Comment: In silico analysis supports that this missense variant has a deleterious effect on protein structure/function; Has not been previously published as pathogenic or benign to our knowledge

Genetic Services Laboratory, University of Chicago
Classification: Uncertain significance. Last evaluated: 2020-02-21. Review status: criteria provided, single submitter. Criteria: ACMG Guidelines, 2015. Collection method: clinical testing. Allele origin: germline. Affected: no.
Comment: DNA sequence analysis of the KIAA0586 gene demonstrated a sequence change, c.3162C>A, in exon 23 that results in an amino acid change, p.Asn1054Lys. This sequence change does not appear to have been previously described in patients with KIAA0586-related disorders and has been described in the gnomAD database with a low population frequency of 0.030% in non-Finnish European subpopulation (dbSNP rs199537542). The p.Asn1054Lys change affects a moderately conserved amino acid residue located in a domain of the KIAA0586 protein that is not known to be functional. In-silico pathogenicity prediction tools (SIFT, PolyPhen2, Align GVGD, REVEL) provide contradictory results for the p.Asn1054Lys substitution. Due to these contrasting evidences and the lack of functional studies, the clinical significance of the p.Asn1054Lys change remains unknown at this time.